The following is an entry in ClinVar:

ClinVar aggregate classification (germline): Uncertain significance (1 of 4 stars; one submission).

Allele frequency attached by ClinVar (database versions not stated): gnomAD exomes 0.00001; TOPMed 0.00001; ExAC 0.00002.
gnomAD v4.1: 3 of 1,612,494 alleles (0.00019%); highest among the groups gnomAD compares: Admixed American, 0.0033%; no homozygotes.

Submission:

Labcorp Genetics (formerly Invitae), Labcorp
Classification: Uncertain significance. Last evaluated: 2022-06-20. Review status: criteria provided, single submitter. Criteria: Invitae Variant Classification Sherloc (09022015). Collection method: clinical testing. Allele origin: germline.
Comment: In summary, the available evidence is currently insufficient to determine the role of this variant in disease. Therefore, it has been classified as a Variant of Uncertain Significance. This variant has not been reported in the literature in individuals affected with RAI1-related conditions. Algorithms developed to predict the effect of missense changes on protein structure and function (SIFT, PolyPhen-2, Align-GVGD) all suggest that this variant is likely to be tolerated. This sequence change replaces serine, which is neutral and polar, with asparagine, which is neutral and polar, at codon 117 of the RAI1 protein (p.Ser117Asn). This variant is present in population databases (rs754973304, gnomAD 0.006%).

NM_030665.4(RAI1):c.350G>A (p.Ser117Asn)

Gene: RAI1 (retinoic acid induced 1; plus strand). Cytogenetic location: 17p11.2.
Variant type: single nucleotide variant.
Coding change: c.350G>A on transcript NM_030665.4 (MANE Select); coding-DNA position 350, G replaced by A.
Protein change: p.Ser117Asn; replaces serine 117 with asparagine.
Molecular consequence: missense variant.
Genome position (GRCh38, 1-based): chr17:17,793,298, G>A. VCF-style: chr17-17793298-G-A. GRCh37 (hg19) VCF-style: chr17-17696612-G-A.
Other names: short protein forms S117N.
Identifiers: ClinVar variation 2006157 (VCV002006157.4), dbSNP rs754973304, ClinGen allele CA8418104.
Genomic context (GRCh38, chr17:17,793,298, plus strand): 5'-TCCCTGGCTACGGCGTCCAGGACAGCAGCCCCTACCCAGGCCGCTATGCTGGTGAGGAGA[G>A]CCTTCAGGCTTGGGGGGCCCCACAGCCACCACCCCCACAGCCGCAGCCACTACCTGCAGG-3'
Protein context (NP_109590.3, residues 107-127): PYPGRYAGEE[Ser117Asn]LQAWGAPQPP